The following is an entry in ClinVar:

NM_133433.4(NIPBL):c.5690A>G (p.Asn1897Ser)

Gene: NIPBL (NIPBL cohesin loading factor; plus strand). Cytogenetic location: 5p13.2.
Variant type: single nucleotide variant.
Coding change: c.5690A>G on transcript NM_133433.4 (MANE Select); coding-DNA position 5690, A replaced by G.
Protein change: p.Asn1897Ser; replaces asparagine 1897 with serine.
Molecular consequence: missense variant.
Genome position (GRCh38, 1-based): chr5:37,024,700, A>G. VCF-style: chr5-37024700-A-G. GRCh37 (hg19) VCF-style: chr5-37024802-A-G.
Other names: c.5690A>G, p.Asn1897Ser (NM_015384.5); short protein forms N1897S.
Identifiers: ClinVar variation 159155 (VCV000159155.18), dbSNP rs190086412, ClinGen allele CA172726.

ClinVar aggregate classification (germline): Conflicting classifications of pathogenicity. Review status: criteria provided, conflicting classifications (1 of 4 stars). 5 submissions from 5 submitters: Uncertain significance (1); Likely benign (4). Last evaluated 2025-09-01.

Conditions:
Inborn genetic diseases. Identifiers: MedGen C0950123, MeSH D030342.
Cornelia de Lange syndrome 1 (CDLS1). Also called: Brachmann de Lange syndrome; NIPBL-Related Cornelia de Lange Syndrome; TYPUS DEGENERATIVUS AMSTELODAMENSIS. Identifiers: Orphanet 199, MedGen C4551851, MONDO:0007387, OMIM 122470.

Allele frequency attached by ClinVar (database versions not stated): gnomAD exomes 0.00005 and 0.00007; gnomAD 0.00007 and 0.00009; ExAC 0.00008; 1000 Genomes Project 0.00040; TOPMed 0.00011; 1000 Genomes Project 30x 0.00031.
gnomAD v4.1: 88 of 1,612,480 alleles (0.0055%); highest among the groups gnomAD compares: East Asian, 0.025%; no homozygotes.

Submissions (5):

Ambry Genetics
Classification: Likely benign for Inborn genetic diseases. Last evaluated: 2025-09-01. Review status: criteria provided, single submitter. Criteria: Ambry Variant Classification Scheme 2023. Collection method: clinical testing. Allele origin: germline.

Labcorp Genetics (formerly Invitae), Labcorp
Classification: Uncertain significance for Cornelia de Lange syndrome 1. Last evaluated: 2025-05-13. Review status: criteria provided, single submitter. Criteria: Invitae Variant Classification Sherloc (09022015). Collection method: clinical testing. Allele origin: germline.
Comment: This sequence change replaces asparagine, which is neutral and polar, with serine, which is neutral and polar, at codon 1897 of the NIPBL protein (p.Asn1897Ser). This variant is present in population databases (rs190086412, gnomAD 0.02%). This variant has not been reported in the literature in individuals affected with NIPBL-related conditions. ClinVar contains an entry for this variant (Variation ID: 159155). Invitae Evidence Modeling of protein sequence and biophysical properties (such as structural, functional, and spatial information, amino acid conservation, physicochemical variation, residue mobility, and thermodynamic stability) indicates that this missense variant is expected to disrupt NIPBL protein function with a positive predictive value of 80%. In summary, the available evidence is currently insufficient to determine the role of this variant in disease. Therefore, it has been classified as a Variant of Uncertain Significance.

Fulgent Genetics
Classification: Likely benign for Cornelia de Lange syndrome 1. Last evaluated: 2024-04-11. Review status: criteria provided, single submitter. Criteria: ACMG Guidelines, 2015. Collection method: clinical testing. Allele origin: germline.

GeneDx
Classification: Likely benign. Last evaluated: 2021-06-12. Review status: criteria provided, single submitter. Criteria: GeneDx Variant Classification Process June 2021. Collection method: clinical testing. Allele origin: germline. Affected: yes.

Genetic Services Laboratory, University of Chicago
Classification: Likely benign. Last evaluated: 2013-02-08. Review status: criteria provided, single submitter. Criteria: ACMG Guidelines, 2007. Collection method: clinical testing. Allele origin: germline. Inheritance: Autosomal dominant inheritance.